The following is an entry in ClinVar:

ClinVar aggregate classification (germline): Pathogenic (1 of 4 stars; one submission).

Conditions:
Familial dysautonomia. Also called: HSAN III; FD. Identifiers: Orphanet 1764, MedGen C0013364, MONDO:0009131, OMIM 223900. Disease mechanism: loss of function.

Submission:

Myriad Genetics, Inc.
Classification: Pathogenic for Familial dysautonomia. Last evaluated: 2025-06-02. Review status: criteria provided, single submitter. Criteria: Myriad Autosomal Dominant, Autosomal Recessive and X-Linked Classification Criteria (2023). Collection method: clinical testing. Allele origin: unknown.
Comment: NM_003640.3(ELP1):c.1916C>G(S639*) is expected to be pathogenic in the context of familial dysautonomia. This variant is predicted to lead to an abnormal or absent protein product due to the creation of a premature termination codon in ELP1, a gene where loss-of-function variants are known to be pathogenic. Please note: this variant was assessed in the context of healthy population screening.

NM_003640.5(ELP1):c.1916C>G (p.Ser639Ter)

Gene: ELP1 (elongator acetyltransferase complex subunit 1; minus strand). Cytogenetic location: 9q31.3.
Variant type: single nucleotide variant.
Coding change: c.1916C>G on transcript NM_003640.5 (MANE Select); coding-DNA position 1916, C replaced by G.
Protein change: p.Ser639Ter; replaces serine 639 with a stop codon.
Molecular consequence: nonsense.
Genome position (GRCh38, 1-based): chr9:108,901,523, G>C on the plus strand (C>G on the coding strand, the complement: ELP1 is on the minus strand). VCF-style: chr9-108901523-G-C. GRCh37 (hg19) VCF-style: chr9-111663803-G-C.
Other names: c.1574C>G, p.Ser525Ter (NM_001318360.2); c.869C>G, p.Ser290Ter (NM_001330749.2); short protein forms S290*, S525*, S639*.
Identifiers: ClinVar variation 5014551 (VCV005014551.1).